The following is an entry in ClinVar:

ClinVar aggregate classification (germline): Likely pathogenic (1 of 4 stars; one submission).

Conditions:
Rhabdoid tumor predisposition syndrome 2 (RTPS2). Identifiers: Orphanet 231108, Orphanet 69077, MedGen C2750074, MONDO:0013224, OMIM 613325.

Allele frequency attached by ClinVar (database versions not stated): ExAC 0.00002.

Submission:

Center for Genomics, Ann and Robert H. Lurie Children's Hospital of Chicago
Classification: Likely pathogenic for Rhabdoid tumor predisposition syndrome 2. Review status: criteria provided, single submitter. Criteria: ACMG Guidelines, 2015. Collection method: clinical testing. Allele origin: germline. Inheritance: Autosomal dominant inheritance.
Comment: This variant has not been reported in the literature in association with disease and is not present in gnomAD. This variant is located in the DEXH-box ATPase domain in the encoded protein and therefore may be more likely to impact normal protein function (Fernando 2020 PMID: 33144586). Evolutionary conservation and computational prediction tools strongly support that this variant may be damaging to the protein. Further, missense variation in this gene is significantly constrained in the general population, suggesting it is not well tolerated (Z-score = 8.81; gnomAD v4.1.0). In summary, data on this variant is highly suspicious for disease, but requires further evidence for pathogenicity. Therefore, this variant is classified as likely pathogenic.

Literature cited by the submitters: PubMed 33144586.

NM_003072.5(SMARCA4):c.2303T>C (p.Leu768Pro)

Gene: SMARCA4 (SWI/SNF related BAF chromatin remodeling complex subunit ATPase 4; plus strand). Cytogenetic location: 19p13.2.
Variant type: single nucleotide variant.
Coding change: c.2303T>C on transcript NM_003072.5 (MANE Select); coding-DNA position 2303, T replaced by C.
Protein change: p.Leu768Pro; replaces leucine 768 with proline.
Molecular consequence: missense variant. On other transcripts: non-coding transcript variant (1).
Genome position (GRCh38, 1-based): chr19:11,012,977, T>C. VCF-style: chr19-11012977-T-C. GRCh37 (hg19) VCF-style: chr19-11123653-T-C.
Other names: c.2303T>C, p.Leu768Pro (NM_001128844.3, NM_001128845.2, NM_001128846.2 and 6 more transcripts); short protein forms L768P.
Identifiers: ClinVar variation 3238740 (VCV003238740.1), dbSNP rs769701819.